The following is an entry in ClinVar:

NM_004187.5(KDM5C):c.2517-9_2517-7dup

Gene: KDM5C (lysine demethylase 5C; minus strand). Cytogenetic location: Xp11.22.
Variant type: Duplication.
Coding change: c.2517-9_2517-7dup on transcript NM_004187.5 (MANE Select); 9 bases into the intron before coding-DNA position 2517 through 7 bases into the intron before coding-DNA position 2517, 3 bases duplicated (ACT; older notation c.2517-9_2517-7dupACT).
Molecular consequence: intron variant.
Genome position (GRCh38, 1-based): chrX:53,197,883-53,197,885, AGT duplicated on the plus strand (ACT on the coding strand, the reverse complement: KDM5C is on the minus strand); duplicating any 3 consecutive bases within chrX:53,197,883-53,197,886 gives the same sequence; the c. name uses the placement nearest the transcript's 3' end. VCF-style (leftmost placement, unchanged base first): chrX-53197882-A-AAGT. GRCh37 (hg19) VCF-style: chrX-53227064-A-AAGT.
Other names: p.?; c.2517-9_2517-7dupACT (NM_004187.3); c.2514-9_2514-7dup (NM_001353982.2, NM_001353979.2, NM_001282622.3); c.2517-9_2517-7dup (NM_001353981.2, NM_001353984.2, NM_001353978.3 and 1 more transcripts); c.2316-9_2316-7dup (NM_001146702.2).
Identifiers: ClinVar variation 94874 (VCV000094874.33), dbSNP rs398124111, ClinGen allele CA147873.
Genomic context (GRCh38, chrX:53,197,882, plus strand): 5'-CAGAAAGGCCCGGAGCTCAGTCAGGGTCATCTGTAGACCAGCCACCCTGTGGGGGCTATG[A>AAGT]AGTATCACATGTGAGGTTTCAGGTCCAAACTCAGTGCCTTCCCTCCATGTCTATGCTAAG-3'

ClinVar aggregate classification (germline): Benign/Likely benign. Review status: criteria provided, multiple submitters, no conflicts (2 of 4 stars). 13 submissions from 13 submitters: Benign (6); Likely benign (2). 5 of the submissions do not count toward it. Last evaluated 2026-02-03.

Conditions:
KDM5C-related disorder. Also called: KDM5C-related condition.
Inborn genetic diseases. Identifiers: MedGen C0950123, MeSH D030342.
Spastic paraplegia. Identifiers: MedGen C0037772, HP:0001258.
Intellectual developmental disorder, X-linked, syndromic, Claes-Jensen type. Also called: INTELLECTUAL DEVELOPMENTAL DISORDER, X-LINKED, SYNDROMIC 16; MENTAL RETARDATION, X-LINKED, SYNDROMIC 16; Syndromic X-linked intellectual disability Claes-Jensen type. Identifiers: Orphanet 85279, MedGen C1845243, MONDO:0010355, OMIM 300534.

Submissions (13):

Labcorp Genetics (formerly Invitae), Labcorp
Classification: Benign for Spastic paraplegia. Last evaluated: 2026-02-03. Review status: criteria provided, single submitter. Criteria: Invitae Variant Classification Sherloc (09022015). Collection method: clinical testing. Allele origin: germline.

ARUP Laboratories, Molecular Genetics and Genomics, ARUP Laboratories
Classification: Benign for Intellectual developmental disorder, X-linked, syndromic, Claes-Jensen type. Last evaluated: 2025-04-23. Review status: criteria provided, single submitter. Criteria: ARUP Molecular Germline Variant Investigation Process 2024. Collection method: clinical testing. Allele origin: germline.

Blueprint Genetics
Classification: Likely benign. Last evaluated: 2024-11-28. Review status: criteria provided, single submitter. Criteria: ACMG Guidelines, 2015. Collection method: clinical testing. Allele origin: germline.

Mayo Clinic Laboratories, Mayo Clinic
Classification: Benign. Last evaluated: 2022-12-30. Review status: criteria provided, single submitter. Criteria: ACMG Guidelines, 2015. Collection method: clinical testing. Allele origin: germline. Observed: 12 variant alleles.
Comment: BS1, BS2, BP4, BP7

Athena Diagnostics
Classification: Benign. Last evaluated: 2019-10-23. Review status: criteria provided, single submitter. Criteria: Athena Diagnostics Criteria. Collection method: clinical testing. Allele origin: unknown.

GeneDx
Classification: Benign. Last evaluated: 2018-09-24. Review status: criteria provided, single submitter. Criteria: GeneDx Variant Classification Process June 2021. Collection method: clinical testing. Allele origin: germline. Affected: yes.

Genetic Services Laboratory, University of Chicago
Classification: Likely benign. Last evaluated: 2015-07-20. Review status: criteria provided, single submitter. Criteria: ACMG Guidelines, 2015. Collection method: clinical testing. Allele origin: germline.

Ambry Genetics
Classification: Benign for Inborn genetic diseases. Last evaluated: 2014-09-29. Review status: criteria provided, single submitter. Criteria: Ambry Variant Classification Scheme 2023. Collection method: clinical testing. Allele origin: germline.

PreventionGenetics, part of Exact Sciences
Classification: Benign for KDM5C-related condition. Last evaluated: 2024-05-20. Review status: no assertion criteria provided. Collection method: clinical testing. Allele origin: germline. Not counted in ClinVar's aggregate classification.
Comment: This variant is classified as benign based on ACMG/AMP sequence variant interpretation guidelines (Richards et al. 2015 PMID: 25741868, with internal and published modifications).

Eurofins Ntd Llc (ga)
Classification: Benign for AllHighlyPenetrant. Last evaluated: 2013-08-30. Review status: no assertion criteria provided. Collection method: clinical testing. Allele origin: germline. Observed: 4 variant alleles, 2 heterozygotes, 2 homozygotes. Not counted in ClinVar's aggregate classification.

Diagnostic Laboratory, Department of Genetics, University Medical Center Groningen
Classification: Likely benign. Review status: no assertion criteria provided. Collection method: clinical testing. Allele origin: germline. Affected: yes. Study: VKGL Data-share Consensus. Not counted in ClinVar's aggregate classification.

Genome Diagnostics Laboratory, University Medical Center Utrecht
Classification: Likely benign. Review status: no assertion criteria provided. Collection method: clinical testing. Allele origin: germline. Affected: yes. Study: VKGL Data-share Consensus. Not counted in ClinVar's aggregate classification.

Laboratory of Diagnostic Genome Analysis, Leiden University Medical Center (LUMC)
Classification: Likely benign. Review status: no assertion criteria provided. Collection method: clinical testing. Allele origin: germline. Affected: yes. Study: VKGL Data-share Consensus. Not counted in ClinVar's aggregate classification.

Literature cited by the submitters: PubMed 23757202 (cited by Eurofins Ntd Llc (ga)).